The following is an entry in ClinVar:

ClinVar aggregate classification (germline): Pathogenic (1 of 4 stars; one submission).

Submission:

GeneDx
Classification: Pathogenic. Last evaluated: 2025-05-18. Review status: criteria provided, single submitter. Criteria: GeneDx Variant Classification Process June 2021. Collection method: clinical testing. Allele origin: germline. Affected: yes.
Comment: Canonical splice site variant predicted to result in a null allele in a gene for which loss of function is a known mechanism of disease; Not observed at significant frequency in large population cohorts (gnomAD); This variant is associated with the following publications: (PMID: 35120629, 32845068, 32581362, 40244202, 29925512)

NM_000350.3(ABCA4):c.303-2A>G

Gene: ABCA4 (ATP binding cassette subfamily A member 4; minus strand). Cytogenetic location: 1p22.1.
Variant type: single nucleotide variant.
Coding change: c.303-2A>G on transcript NM_000350.3 (MANE Select); the canonical splice acceptor site of the intron before coding-DNA position 303, A replaced by G.
Molecular consequence: splice acceptor variant.
Genome position (GRCh38, 1-based): chr1:94,108,718, T>C on the plus strand (A>G on the coding strand, the complement: ABCA4 is on the minus strand). VCF-style: chr1-94108718-T-C. GRCh37 (hg19) VCF-style: chr1-94574274-T-C.
Other names: c.303-2A>G (NM_001425324.1).
Identifiers: ClinVar variation 4530790 (VCV004530790.1).